The following is an entry in ClinVar:

NM_001130965.3(SUN1):c.28A>G (p.Ser10Gly)

Genes: SUN1 (Sad1 and UNC84 domain containing 1; plus strand), LOC126859921 (P300/CBP strongly-dependent group 1 enhancer GRCh37_chr7:871666-872865; plus strand). Cytogenetic location: 7p22.3.
Variant type: single nucleotide variant.
Coding change: c.28A>G on transcript NM_001130965.3 (MANE Select); coding-DNA position 28, A replaced by G.
Protein change: p.Ser10Gly; replaces serine 10 with glycine.
Molecular consequence: missense variant. On other transcripts: 5 prime UTR variant (1), non-coding transcript variant (3), intron variant (30).
Genome position (GRCh38, 1-based): chr7:832,552, A>G. VCF-style: chr7-832552-A-G. GRCh37 (hg19) VCF-style: chr7-872189-A-G.
Other names: c.28A>G, p.Ser10Gly (NM_001171944.2, NM_001171946.2, NM_001367633.1 and 35 more transcripts); c.91A>G, p.Ser31Gly (NM_001171945.2); c.-430A>G (NM_001367635.1); c.297-6246A>G (NM_001367651.1); c.-73-6246A>G (NM_001367666.1, NM_001367655.1, NM_001367691.1 and 24 more transcripts); c.-684-6246A>G (NM_001367658.1); c.-301-9394A>G (NM_001367639.1); short protein forms S10G, S31G.
Identifiers: ClinVar variation 3685897 (VCV003685897.2).

ClinVar aggregate classification (germline): Uncertain significance (1 of 4 stars; one submission).

Conditions:
Emery-Dreifuss muscular dystrophy (EDMD). Also called: Scapuloperoneal syndrome, X-linked (formerly); Humeroperoneal neuromuscular disease, (formerly). Identifiers: Orphanet 261, MedGen C0410189, MONDO:0016830.

gnomAD v4.1: 5 of 1,613,402 alleles (0.00031%); highest among the groups gnomAD compares: Non-Finnish European, 0.00042%; no homozygotes.

Submission:

Labcorp Genetics (formerly Invitae), Labcorp
Classification: Uncertain significance for Emery-Dreifuss muscular dystrophy. Last evaluated: 2025-06-12. Review status: criteria provided, single submitter. Criteria: Invitae Variant Classification Sherloc (09022015). Collection method: clinical testing. Allele origin: germline.
Comment: This sequence change replaces serine, which is neutral and polar, with glycine, which is neutral and non-polar, at codon 10 of the SUN1 protein (p.Ser10Gly). The frequency data for this variant in the population databases is considered unreliable, as metrics indicate poor data quality at this position in the gnomAD database. This variant has not been reported in the literature in individuals affected with SUN1-related conditions. ClinVar contains an entry for this variant (Variation ID: 3685897). An algorithm developed to predict the effect of missense changes on protein structure and function (PolyPhen-2) suggests that this variant is likely to be tolerated. In summary, the available evidence is currently insufficient to determine the role of this variant in disease. Therefore, it has been classified as a Variant of Uncertain Significance.